The following is an entry in ClinVar:

ClinVar aggregate classification (germline): Uncertain significance (1 of 4 stars; one submission).

gnomAD v4.1: 7 of 1,607,750 alleles (0.00044%); highest among the groups gnomAD compares: Non-Finnish European, 0.0006%; no homozygotes.

Submission:

Labcorp Genetics (formerly Invitae), Labcorp
Classification: Uncertain significance. Last evaluated: 2024-09-04. Review status: criteria provided, single submitter. Criteria: Invitae Variant Classification Sherloc (09022015). Collection method: clinical testing. Allele origin: germline.
Comment: This sequence change replaces isoleucine, which is neutral and non-polar, with valine, which is neutral and non-polar, at codon 1554 of the CACNA1E protein (p.Ile1554Val). This variant is present in population databases (no rsID available, gnomAD 0.0009%). This variant has not been reported in the literature in individuals affected with CACNA1E-related conditions. Invitae Evidence Modeling of protein sequence and biophysical properties (such as structural, functional, and spatial information, amino acid conservation, physicochemical variation, residue mobility, and thermodynamic stability) has been performed for this missense variant. However, the output from this modeling did not meet the statistical confidence thresholds required to predict the impact of this variant on CACNA1E protein function. In summary, the available evidence is currently insufficient to determine the role of this variant in disease. Therefore, it has been classified as a Variant of Uncertain Significance.

NM_001205293.3(CACNA1E):c.4660A>G (p.Ile1554Val)

Gene: CACNA1E (calcium voltage-gated channel subunit alpha1 E; plus strand). Cytogenetic location: 1q25.3.
Variant type: single nucleotide variant.
Coding change: c.4660A>G on transcript NM_001205293.3 (MANE Select); coding-DNA position 4660, A replaced by G.
Protein change: p.Ile1554Val; replaces isoleucine 1554 with valine.
Molecular consequence: missense variant.
Genome position (GRCh38, 1-based): chr1:181,762,628, A>G. VCF-style: chr1-181762628-A-G. GRCh37 (hg19) VCF-style: chr1-181731764-A-G.
Other names: c.4660A>G, p.Ile1554Val (NM_000721.4); c.4603A>G, p.Ile1535Val (NM_001205294.2); short protein forms I1535V, I1554V.
Identifiers: ClinVar variation 3604862 (VCV003604862.2).